The following is an entry in ClinVar:

ClinVar aggregate classification (germline): Likely benign. Review status: criteria provided, multiple submitters, no conflicts (2 of 4 stars). 3 submissions from 3 submitters: Likely benign (3). Last evaluated 2024-11-13.

Conditions:
Renal cell carcinoma. Identifiers: Orphanet 217071, MedGen C0007134, MeSH D002292, MONDO:0005086, HP:0005584.
Papillary renal cell carcinoma type 1 (RCCP1). Also called: RENAL CELL CARCINOMA, PAPILLARY, 1, SOMATIC; Renal cell carcinoma, somatic; Renal adenocarcinoma; Renal cell carcinoma 1. Identifiers: Orphanet 47044, MedGen C1336839, OMIM 605074, HP:0011797.

gnomAD v4.1: 1 of 1,588,658 alleles (0.000063%); highest among the groups gnomAD compares: Non-Finnish European, 0.000086%; no homozygotes.

Submissions (3):

Myriad Genetics, Inc.
Classification: Likely benign for Papillary renal cell carcinoma type 1. Last evaluated: 2024-11-13. Review status: criteria provided, single submitter. Criteria: Myriad Autosomal Dominant, Autosomal Recessive and X-Linked Classification Criteria (2023). Collection method: clinical testing. Allele origin: unknown.
Comment: This variant is considered likely benign. This variant is intronic and is not expected to impact mRNA splicing.

Labcorp Genetics (formerly Invitae), Labcorp
Classification: Likely benign for Renal cell carcinoma. Last evaluated: 2024-10-23. Review status: criteria provided, single submitter. Criteria: Invitae Variant Classification Sherloc (09022015). Collection method: clinical testing. Allele origin: germline.

Mayo Clinic Laboratories, Mayo Clinic
Classification: Likely benign. Last evaluated: 2024-10-23. Review status: criteria provided, single submitter. Criteria: ACMG Guidelines, 2015. Collection method: clinical testing. Allele origin: germline. Observed: 1 variant allele.
Comment: BP4, BP7, PM2_supporting

NM_000245.4(MET):c.3523-5T>C

Gene: MET (MET proto-oncogene, receptor tyrosine kinase; plus strand). Cytogenetic location: 7q31.2.
Variant type: single nucleotide variant.
Coding change: c.3523-5T>C on transcript NM_000245.4 (MANE Select); 5 bases into the intron before coding-DNA position 3523, T replaced by C.
Molecular consequence: intron variant.
Genome position (GRCh38, 1-based): chr7:116,781,983, T>C. VCF-style: chr7-116781983-T-C. GRCh37 (hg19) VCF-style: chr7-116422037-T-C.
Other names: p.?; c.3577-5T>C (NM_001127500.3); c.2233-5T>C (NM_001324402.2).
Identifiers: ClinVar variation 3697064 (VCV003697064.4).
Genomic context (GRCh38, chr7:116,781,983, plus strand): 5'-TTCTAAGGTCAAAATTAGAACAGTAGATGCTTAGTTTATGCTTTTCTAACTCTCTTTGAC[T>C]GCAGAATCCAACTGTAAAAGATCTTATTGGCTTTGGTCTTCAAGTAGCCAAAGGCATGAA-3'